The following is an entry in ClinVar:

ClinVar aggregate classification (germline): Uncertain significance (1 of 4 stars; one submission).

Conditions:
Catecholaminergic polymorphic ventricular tachycardia 1. Also called: VENTRICULAR TACHYCARDIA, STRESS-INDUCED POLYMORPHIC 1; VENTRICULAR TACHYCARDIA, CATECHOLAMINERGIC POLYMORPHIC, 1, WITH OR WITHOUT ATRIAL DYSFUNCTION AND/OR DILATED CARDIOMYOPATHY; RYR2-Related Catecholaminergic Polymorphic Ventricular Tachycardia. Identifiers: Orphanet 3286, MedGen C1631597, MONDO:0011484, OMIM 604772.

Submission:

Labcorp Genetics (formerly Invitae), Labcorp
Classification: Uncertain significance for Catecholaminergic polymorphic ventricular tachycardia 1. Last evaluated: 2022-05-21. Review status: criteria provided, single submitter. Criteria: Invitae Variant Classification Sherloc (09022015). Collection method: clinical testing. Allele origin: germline.
Comment: In summary, the available evidence is currently insufficient to determine the role of this variant in disease. Therefore, it has been classified as a Variant of Uncertain Significance. Advanced modeling of protein sequence and biophysical properties (such as structural, functional, and spatial information, amino acid conservation, physicochemical variation, residue mobility, and thermodynamic stability) performed at Invitae indicates that this missense variant is not expected to disrupt RYR2 protein function. This variant has not been reported in the literature in individuals affected with RYR2-related conditions. This variant is not present in population databases (gnomAD no frequency). This sequence change replaces tryptophan, which is neutral and slightly polar, with arginine, which is basic and polar, at codon 2785 of the RYR2 protein (p.Trp2785Arg).

NM_001035.3(RYR2):c.8353T>C (p.Trp2785Arg)

Gene: RYR2 (ryanodine receptor 2; plus strand). Cytogenetic location: 1q43.
Variant type: single nucleotide variant.
Coding change: c.8353T>C on transcript NM_001035.3 (MANE Select); coding-DNA position 8353, T replaced by C.
Protein change: p.Trp2785Arg; replaces tryptophan 2785 with arginine.
Molecular consequence: missense variant.
Genome position (GRCh38, 1-based): chr1:237,660,864, T>C. VCF-style: chr1-237660864-T-C. GRCh37 (hg19) VCF-style: chr1-237824164-T-C.
Other names: short protein forms W2785R.
Identifiers: ClinVar variation 1932074 (VCV001932074.5), dbSNP rs2547120653, ClinGen allele CA345401845.